The following is an entry in ClinVar:

NM_001267550.2(TTN):c.39709+9G>C

Gene: TTN (titin; minus strand). Cytogenetic location: 2q31.2.
Variant type: single nucleotide variant.
Coding change: c.39709+9G>C on transcript NM_001267550.2 (MANE Select); 9 bases into the intron after coding-DNA position 39709, G replaced by C.
Molecular consequence: intron variant.
Genome position (GRCh38, 1-based): chr2:178,650,742, C>G on the plus strand (G>C on the coding strand, the complement: TTN is on the minus strand). VCF-style: chr2-178650742-C-G. GRCh37 (hg19) VCF-style: chr2-179515469-C-G.
Other names: c.13283-8425G>C (NM_003319.4); c.13859-8425G>C (NM_133437.4); c.13658-8425G>C (NM_133432.3); c.32407+9G>C (NM_133378.4); c.39709+9G>C (NM_001267550.1); c.35188+9G>C (NM_001256850.1).
Identifiers: ClinVar variation 514552 (VCV000514552.21), dbSNP rs765647346, ClinGen allele CA1996624.

ClinVar aggregate classification (germline): Conflicting classifications of pathogenicity. Review status: criteria provided, conflicting classifications (1 of 4 stars). 9 submissions from 9 submitters: Uncertain significance (4); Likely benign (5). Last evaluated 2025-11-16.

Conditions:
Autosomal recessive limb-girdle muscular dystrophy type 2J (LGMDR10). Also called: Limb-girdle muscular dystrophy, type 2J; MUSCULAR DYSTROPHY, LIMB-GIRDLE, AUTOSOMAL RECESSIVE 10. Identifiers: Orphanet 140922, MedGen C1837342, MONDO:0012127, OMIM 608807.
Dilated cardiomyopathy 1G (CMD1G). Identifiers: Orphanet 154, MedGen C1858763, MONDO:0011400, OMIM 604145.
TTN-related disorder. Also called: TTN-related condition; TTN-related disease; TTN-related disorders.
Cardiomyopathy (CMYO). Also called: Cardiomyopathies. Identifiers: Orphanet 167848, MedGen C0878544, MONDO:0004994, HP:0001638. Inheritance: Various modes of inheritance.

Allele frequency attached by ClinVar (database versions not stated): gnomAD exomes 0.00003; TOPMed 0.00006; gnomAD 0.00007 and 0.00008; ExAC 0.00008.
gnomAD v4.1: 177 of 1,596,810 alleles (0.011%); highest among the groups gnomAD compares: Non-Finnish European, 0.015%; no homozygotes.

Submissions (9):

Labcorp Genetics (formerly Invitae), Labcorp
Classification: Likely benign for Dilated cardiomyopathy 1G; Autosomal recessive limb-girdle muscular dystrophy type 2J. Last evaluated: 2025-11-16. Review status: criteria provided, single submitter. Criteria: Invitae Variant Classification Sherloc (09022015). Collection method: clinical testing. Allele origin: germline.

Women's Health and Genetics/Laboratory Corporation of America, LabCorp
Classification: Likely benign. Last evaluated: 2025-10-29. Review status: criteria provided, single submitter. Criteria: LabCorp Variant Classification Summary - May 2015. Collection method: clinical testing. Allele origin: germline.

PreventionGenetics, part of Exact Sciences
Classification: Likely benign for TTN-related condition. Last evaluated: 2025-06-27. Review status: criteria provided, single submitter. Criteria: ACMG Guidelines, 2015. Collection method: clinical testing. Allele origin: germline.
Comment: This variant is classified as likely benign based on ACMG/AMP sequence variant interpretation guidelines (Richards et al. 2015 PMID: 25741868, with internal and published modifications).

Blueprint Genetics
Classification: Likely benign. Last evaluated: 2024-10-31. Review status: criteria provided, single submitter. Criteria: ACMG Guidelines, 2015. Collection method: clinical testing. Allele origin: germline.

Mayo Clinic Laboratories, Mayo Clinic
Classification: Uncertain significance. Last evaluated: 2023-04-13. Review status: criteria provided, single submitter. Criteria: ACMG Guidelines, 2015. Collection method: clinical testing. Allele origin: germline. Observed: 1 variant allele.

CHEO Genetics Diagnostic Laboratory, Children's Hospital of Eastern Ontario
Classification: Uncertain significance for Cardiomyopathy. Last evaluated: 2021-07-09. Review status: criteria provided, single submitter. Criteria: ACMG Guidelines, 2015. Collection method: clinical testing. Allele origin: germline.

Athena Diagnostics
Classification: Uncertain significance. Last evaluated: 2020-10-27. Review status: criteria provided, single submitter. Criteria: Athena Diagnostics criteria. Collection method: clinical testing. Allele origin: unknown.

GeneDx
Classification: Likely benign. Last evaluated: 2017-12-28. Review status: criteria provided, single submitter. Criteria: GeneDx Variant Classification (06012015). Collection method: clinical testing. Allele origin: germline. Affected: yes.
Comment: This variant is considered likely benign or benign based on one or more of the following criteria: it is a conservative change, it occurs at a poorly conserved position in the protein, it is predicted to be benign by multiple in silico algorithms, and/or has population frequency not consistent with disease.

Eurofins Ntd Llc (ga)
Classification: Uncertain significance. Last evaluated: 2017-09-06. Review status: criteria provided, single submitter. Criteria: EGL Classification Definitions 2015. Collection method: clinical testing. Allele origin: germline. Observed: 2 variant alleles, 2 heterozygotes.